The following is an entry in ClinVar:

NM_000807.4(GABRA2):c.220G>T (p.Val74Leu)

Gene: GABRA2 (gamma-aminobutyric acid type A receptor subunit alpha2; minus strand). Cytogenetic location: 4p12.
Variant type: single nucleotide variant.
Coding change: c.220G>T on transcript NM_000807.4 (MANE Select); coding-DNA position 220, G replaced by T.
Protein change: p.Val74Leu; replaces valine 74 with leucine.
Molecular consequence: missense variant. On other transcripts: intron variant (4).
Genome position (GRCh38, 1-based): chr4:46,332,650, C>A on the plus strand (G>T on the coding strand, the complement: GABRA2 is on the minus strand). VCF-style: chr4-46332650-C-A. GRCh37 (hg19) VCF-style: chr4-46334667-C-A.
Other names: c.91-19934G>T (NM_001377153.1, NM_001377154.1, NM_001377152.1 and 1 more transcripts); c.220G>T, p.Val74Leu (NM_001114175.3, NM_001330690.2, NM_001377144.1 and 8 more transcripts); short protein forms V74L.
Identifiers: ClinVar variation 2500409 (VCV002500409.3), dbSNP rs2475813268, ClinGen allele CA356801342.

ClinVar aggregate classification (germline): Uncertain significance. Review status: criteria provided, multiple submitters, no conflicts (2 of 4 stars). 3 submissions from 3 submitters: Uncertain significance (3). Last evaluated 2026-04-11.

Conditions:
Inborn genetic diseases. Identifiers: MedGen C0950123, MeSH D030342.

Submissions (3):

Ambry Genetics
Classification: Uncertain significance for Inborn genetic diseases. Last evaluated: 2026-04-11. Review status: criteria provided, single submitter. Criteria: Ambry Variant Classification Scheme 2023. Collection method: clinical testing. Allele origin: germline.

Labcorp Genetics (formerly Invitae), Labcorp
Classification: Uncertain significance. Last evaluated: 2025-11-09. Review status: criteria provided, single submitter. Criteria: Invitae Variant Classification Sherloc (09022015). Collection method: clinical testing. Allele origin: germline.
Comment: This sequence change replaces valine, which is neutral and non-polar, with leucine, which is neutral and non-polar, at codon 74 of the GABRA2 protein (p.Val74Leu). This variant is not present in population databases (gnomAD no frequency). This variant has not been reported in the literature in individuals affected with GABRA2-related conditions. ClinVar contains an entry for this variant (Variation ID: 2500409). An algorithm developed to predict the effect of missense changes on protein structure and function (PolyPhen-2) suggests that this variant is likely to be tolerated. In summary, the available evidence is currently insufficient to determine the role of this variant in disease. Therefore, it has been classified as a Variant of Uncertain Significance.

GeneDx
Classification: Uncertain significance. Last evaluated: 2022-10-31. Review status: criteria provided, single submitter. Criteria: GeneDx Variant Classification Process June 2021. Collection method: clinical testing. Allele origin: germline. Affected: yes.
Comment: Not observed at significant frequency in large population cohorts (gnomAD); In silico analysis supports that this missense variant has a deleterious effect on protein structure/function; Has not been previously published as pathogenic or benign to our knowledge